The following is an entry in ClinVar:

ClinVar aggregate classification (germline): Uncertain significance (1 of 4 stars; one submission).

Conditions:
Developmental and epileptic encephalopathy, 34 (DEE34). Also called: SLC12A5-Related Epilepsy of Infancy with Migrating Focal Seizures; Early infantile epileptic encephalopathy 34. Identifiers: Orphanet 293181, MedGen C4225257, MONDO:0014718, OMIM 616645.

Submission:

Labcorp Genetics (formerly Invitae), Labcorp
Classification: Uncertain significance for Developmental and epileptic encephalopathy, 34. Last evaluated: 2022-08-10. Review status: criteria provided, single submitter. Criteria: Invitae Variant Classification Sherloc (09022015). Collection method: clinical testing. Allele origin: germline.
Comment: In summary, the available evidence is currently insufficient to determine the role of this variant in disease. Therefore, it has been classified as a Variant of Uncertain Significance. Advanced modeling of protein sequence and biophysical properties (such as structural, functional, and spatial information, amino acid conservation, physicochemical variation, residue mobility, and thermodynamic stability) performed at Invitae indicates that this missense variant is not expected to disrupt SLC12A5 protein function. This variant has not been reported in the literature in individuals affected with SLC12A5-related conditions. This variant is not present in population databases (gnomAD no frequency). This sequence change replaces leucine, which is neutral and non-polar, with valine, which is neutral and non-polar, at codon 803 of the SLC12A5 protein (p.Leu803Val).

NM_020708.5(SLC12A5):c.2407T>G (p.Leu803Val)

Gene: SLC12A5 (solute carrier family 12 member 5; plus strand). Cytogenetic location: 20q13.12.
Variant type: single nucleotide variant.
Coding change: c.2407T>G on transcript NM_020708.5 (MANE Select); coding-DNA position 2407, T replaced by G.
Protein change: p.Leu803Val; replaces leucine 803 with valine.
Molecular consequence: missense variant.
Genome position (GRCh38, 1-based): chr20:46,052,986, T>G. VCF-style: chr20-46052986-T-G. GRCh37 (hg19) VCF-style: chr20-44681625-T-G.
Other names: c.2476T>G, p.Leu826Val (NM_001134771.2); short protein forms L803V, L826V.
Identifiers: ClinVar variation 1940585 (VCV001940585.5), dbSNP rs2515650461, ClinGen allele CA409204611.